The following is an entry in ClinVar:

NM_001297.5(CNGB1):c.2966T>A (p.Val989Glu)

Gene: CNGB1 (cyclic nucleotide gated channel subunit beta 1; minus strand). Cytogenetic location: 16q21.
Variant type: single nucleotide variant.
Coding change: c.2966T>A on transcript NM_001297.5 (MANE Select); coding-DNA position 2966, T replaced by A.
Protein change: p.Val989Glu; replaces valine 989 with glutamic acid.
Molecular consequence: missense variant.
Genome position (GRCh38, 1-based): chr16:57,901,362, A>T on the plus strand (T>A on the coding strand, the complement: CNGB1 is on the minus strand). VCF-style: chr16-57901362-A-T. GRCh37 (hg19) VCF-style: chr16-57935266-A-T.
Other names: c.2948T>A, p.Val983Glu (NM_001286130.2); short protein forms V983E, V989E.
Identifiers: ClinVar variation 1002013 (VCV001002013.9), dbSNP rs576228876, ClinGen allele CA8082750.

ClinVar aggregate classification (germline): Conflicting classifications of pathogenicity. Review status: criteria provided, conflicting classifications (1 of 4 stars). 3 submissions from 3 submitters: Likely pathogenic (1); Uncertain significance (2). Last evaluated 2026-08-09.

Conditions:
Retinal disorder. Also called: Retinopathy; Retinopathies; Retinal Diseases; Retinal disorders. Identifiers: MedGen C0035309, MONDO:0005283, HP:0000488.

Allele frequency attached by ClinVar (database versions not stated): TOPMed 0.00003; gnomAD exomes 0.00001; 1000 Genomes Project 0.00020; ExAC 0.00001; 1000 Genomes Project 30x 0.00016.
gnomAD v4.1: 11 of 1,614,138 alleles (0.00068%); highest among the groups gnomAD compares: African/African-American, 0.013%; no homozygotes.

Submissions (3):

Genetics Laboratory, Great Ormond Street Hospital NHS Foundation Trust, North Thames Genomic Laboratory Hub
Classification: Likely pathogenic for Retinal disorders. Last evaluated: 2026-08-09. Review status: criteria provided, single submitter. Criteria: ACGS Best Practice Guidelines for Variant Classification in Rare Disease 2024 v1.2. Collection method: clinical testing. Allele origin: germline. Affected: yes.
Comment: PM2_moderate, PP3_supporting, PM3_moderate, PP4_supporting

Labcorp Genetics (formerly Invitae), Labcorp
Classification: Uncertain significance. Last evaluated: 2024-10-28. Review status: criteria provided, single submitter. Criteria: Invitae Variant Classification Sherloc (09022015). Collection method: clinical testing. Allele origin: germline.
Comment: This sequence change replaces valine, which is neutral and non-polar, with glutamic acid, which is acidic and polar, at codon 989 of the CNGB1 protein (p.Val989Glu). The frequency data for this variant in the population databases is considered unreliable, as metrics indicate poor data quality at this position in the gnomAD database. This missense change has been observed in individual(s) with CNGB1-related conditions (PMID: 33847019). ClinVar contains an entry for this variant (Variation ID: 1002013). Invitae Evidence Modeling of protein sequence and biophysical properties (such as structural, functional, and spatial information, amino acid conservation, physicochemical variation, residue mobility, and thermodynamic stability) indicates that this missense variant is expected to disrupt CNGB1 protein function with a positive predictive value of 80%. In summary, the available evidence is currently insufficient to determine the role of this variant in disease. Therefore, it has been classified as a Variant of Uncertain Significance.

Blueprint Genetics
Classification: Uncertain significance. Last evaluated: 2023-11-21. Review status: criteria provided, single submitter. Criteria: ACMG Guidelines, 2015. Collection method: clinical testing. Allele origin: germline.

Literature cited by the submitters: PubMed 33847019 (cited by Labcorp Genetics (formerly Invitae), Labcorp).